The following is an entry in ClinVar:

ClinVar aggregate classification (germline): Uncertain significance (1 of 4 stars; one submission).

Conditions:
Hereditary sensory and autonomic neuropathy type 6. Also called: HSAN VI; Neuropathy, hereditary sensory and autonomic, type VI. Identifiers: Orphanet 314381, MedGen C3539003, MONDO:0013839, OMIM 614653.
Epidermolysis bullosa simplex 3, localized or generalized intermediate, with BP230 deficiency (EBS3). Also called: Epidermolysis bullosa simplex due to BP230 deficiency; Epidermolysis bullosa simplex, autosomal recessive 2. Identifiers: Orphanet 412181, MedGen C3809470, MONDO:0014180, OMIM 615425.

Allele frequency attached by ClinVar (database versions not stated): TOPMed below 0.00001; ExAC 0.00001; gnomAD 0.00001; gnomAD exomes 0.00001.
gnomAD v4.1: 18 of 1,614,104 alleles (0.0011%); highest among the groups gnomAD compares: Non-Finnish European, 0.0015%; no homozygotes.

Submission:

Labcorp Genetics (formerly Invitae), Labcorp
Classification: Uncertain significance for Epidermolysis bullosa simplex 3, localized or generalized intermediate, with BP230 deficiency; Hereditary sensory and autonomic neuropathy type 6. Last evaluated: 2022-07-31. Review status: criteria provided, single submitter. Criteria: Invitae Variant Classification Sherloc (09022015). Collection method: clinical testing. Allele origin: germline.
Comment: This variant is present in population databases (rs774699912, gnomAD 0.0008%). This sequence change replaces glutamic acid, which is acidic and polar, with glycine, which is neutral and non-polar, at codon 1680 of the DST protein (p.Glu1680Gly). This variant has not been reported in the literature in individuals affected with DST-related conditions. In summary, the available evidence is currently insufficient to determine the role of this variant in disease. Therefore, it has been classified as a Variant of Uncertain Significance. Algorithms developed to predict the effect of missense changes on protein structure and function are either unavailable or do not agree on the potential impact of this missense change (SIFT: "Deleterious"; PolyPhen-2: "Probably Damaging"; Align-GVGD: "Class C15"). ClinVar contains an entry for this variant (Variation ID: 1004933).

NM_001723.7(DST):c.5039A>G (p.Glu1680Gly)

Gene: DST (dystonin; minus strand). Cytogenetic location: 6p12.1.
Variant type: single nucleotide variant.
Coding change: c.5039A>G on transcript NM_001723.7 (MANE Plus Clinical); coding-DNA position 5039, A replaced by G.
Protein change: p.Glu1680Gly; replaces glutamic acid 1680 with glycine.
Molecular consequence: missense variant. On other transcripts: intron variant (10).
Genome position (GRCh38, 1-based): chr6:56,618,995, T>C on the plus strand (A>G on the coding strand, the complement: DST is on the minus strand). VCF-style: chr6-56618995-T-C. GRCh37 (hg19) VCF-style: chr6-56483793-T-C.
Other names: c.4831-4511A>G (NM_001144769.5); c.4930-4511A>G (NM_001374722.1, NM_001374736.1); c.4957-4511A>G (NM_001374734.1); c.4417-4511A>G (NM_001144770.2); c.4297-4511A>G (NM_001374730.1, NM_001386100.1, NM_183380.4 and 1 more transcripts); c.3319-4511A>G (NM_015548.5); short protein forms E1680G.
Identifiers: ClinVar variation 1004933 (VCV001004933.8), dbSNP rs774699912, ClinGen allele CA3870434.